The following is an entry in ClinVar:

NM_000256.3(MYBPC3):c.2888C>T (p.Thr963Ile)

Gene: MYBPC3 (myosin binding protein C3; minus strand). Cytogenetic location: 11p11.2.
Variant type: single nucleotide variant.
Coding change: c.2888C>T on transcript NM_000256.3 (MANE Select); coding-DNA position 2888, C replaced by T.
Protein change: p.Thr963Ile; replaces threonine 963 with isoleucine.
Molecular consequence: missense variant.
Genome position (GRCh38, 1-based): chr11:47,335,059, G>A on the plus strand (C>T on the coding strand, the complement: MYBPC3 is on the minus strand). VCF-style: chr11-47335059-G-A. GRCh37 (hg19) VCF-style: chr11-47356610-G-A.
Other names: short protein forms T963I.
Identifiers: ClinVar variation 1035833 (VCV001035833.8), dbSNP rs2095880897, ClinGen allele CA380316219.
Genomic context (GRCh38, chr11:47,335,059, plus strand): 5'-GGTGTCAATGGCGGGTCTTGTGACTGCACAAAGGGGCACTCACGCAGGATCTCCTGCACT[G>A]TCACCGGCTCCGTGGTGGTAACAGGGGCTCCAGGCCCTGCCATATTGTGTGCCCGCACTC-3'
Protein context (NP_000247.2, residues 953-973): GAPVTTTEPV[Thr963Ile]VQEILQRPRL

ClinVar aggregate classification (germline): Uncertain significance. Review status: criteria provided, multiple submitters, no conflicts (2 of 4 stars). 3 submissions from 3 submitters: Uncertain significance (3). Last evaluated 2025-06-17.

Conditions:
Cardiomyopathy (CMYO). Also called: Cardiomyopathies. Identifiers: Orphanet 167848, MedGen C0878544, MONDO:0004994, HP:0001638. Inheritance: Various modes of inheritance.
Hypertrophic cardiomyopathy. Also called: HYPERTROPHIC MYOCARDIOPATHY. Identifiers: Orphanet 217569, MedGen C0007194, MeSH D002312, MONDO:0005045, HP:0001639.

Allele frequency attached by ClinVar (database versions not stated): gnomAD 0.00001; gnomAD exomes below 0.00001.
gnomAD v4.1: 2 of 1,572,738 alleles (0.00013%); highest among the groups gnomAD compares: Non-Finnish European, 0.000087%; no homozygotes.

Submissions (3):

Color Diagnostics, LLC DBA Color Health
Classification: Uncertain significance for Cardiomyopathy. Last evaluated: 2025-06-17. Review status: criteria provided, single submitter. Criteria: ACMG Guidelines, 2015. Collection method: clinical testing. Allele origin: germline.
Comment: This missense variant replaces threonine with isoleucine at codon 963 of the MYBPC3 protein. Computational prediction suggests that this variant may not impact protein structure and function. To our knowledge, functional studies have not been reported for this variant. This variant has not been reported in individuals affected with MYBPC3-related disorders in the literature. This variant has not been identified in the general population by the Genome Aggregation Database (gnomAD). The available evidence is insufficient to determine the role of this variant in disease conclusively. Therefore, this variant is classified as a Variant of Uncertain Significance.

GeneDx
Classification: Uncertain significance. Last evaluated: 2023-12-29. Review status: criteria provided, single submitter. Criteria: GeneDx Variant Classification Process June 2021. Collection method: clinical testing. Allele origin: germline. Affected: yes.
Comment: Has not been previously published as pathogenic or benign to our knowledge; Not observed at significant frequency in large population cohorts (gnomAD); In silico analysis supports that this missense variant has a deleterious effect on protein structure/function

Labcorp Genetics (formerly Invitae), Labcorp
Classification: Uncertain significance for Hypertrophic cardiomyopathy. Last evaluated: 2020-09-25. Review status: criteria provided, single submitter. Criteria: Invitae Variant Classification Sherloc (09022015). Collection method: clinical testing. Allele origin: germline.
Comment: In summary, the available evidence is currently insufficient to determine the role of this variant in disease. Therefore, it has been classified as a Variant of Uncertain Significance. Algorithms developed to predict the effect of missense changes on protein structure and function (SIFT, PolyPhen-2, Align-GVGD) all suggest that this variant is likely to be disruptive, but these predictions have not been confirmed by published functional studies and their clinical significance is uncertain. This variant has not been reported in the literature in individuals with MYBPC3-related conditions. This variant is not present in population databases (ExAC no frequency). This sequence change replaces threonine with isoleucine at codon 963 of the MYBPC3 protein (p.Thr963Ile). The threonine residue is highly conserved and there is a moderate physicochemical difference between threonine and isoleucine.